The following is an entry in ClinVar:

NM_001999.4(FBN2):c.3065T>G (p.Met1022Arg)

Genes: FBN2 (fibrillin 2; minus strand), LOC126807501 (BRD4-independent group 4 enhancer GRCh37_chr5:127680731-127681930; plus strand). Cytogenetic location: 5q23.3.
Variant type: single nucleotide variant.
Coding change: c.3065T>G on transcript NM_001999.4 (MANE Select); coding-DNA position 3065, T replaced by G.
Protein change: p.Met1022Arg; replaces methionine 1022 with arginine.
Molecular consequence: missense variant.
Genome position (GRCh38, 1-based): chr5:128,345,509, A>C on the plus strand (T>G on the coding strand, the complement: FBN2 is on the minus strand). VCF-style: chr5-128345509-A-C. GRCh37 (hg19) VCF-style: chr5-127681201-A-C.
Other names: short protein forms M1022R.
Identifiers: ClinVar variation 4841627 (VCV004841627.1).

ClinVar aggregate classification (germline): Uncertain significance (1 of 4 stars; one submission).

Conditions:
Familial thoracic aortic aneurysm and aortic dissection (TAAD). Also called: Thoracic aortic aneurysms and dissections. Identifiers: Orphanet 91387, MedGen C4707243, MONDO:0019625.

Submission:

Ambry Genetics
Classification: Uncertain significance for Familial thoracic aortic aneurysm and aortic dissection. Last evaluated: 2025-12-16. Review status: criteria provided, single submitter. Criteria: Ambry Variant Classification Scheme 2023. Collection method: clinical testing. Allele origin: germline.
Comment: The p.M1022R variant (also known as c.3065T>G), located in coding exon 24 of the FBN2 gene, results from a T to G substitution at nucleotide position 3065. The methionine at codon 1022 is replaced by arginine, an amino acid with similar properties. This amino acid position is conserved. In addition, this alteration is predicted to be deleterious by in silico analysis. Based on the available evidence, the clinical significance of this variant remains unclear.